The following is an entry in ClinVar:

ClinVar aggregate classification (germline): Conflicting classifications of pathogenicity. Review status: criteria provided, conflicting classifications (1 of 4 stars). 5 submissions from 5 submitters: Uncertain significance (2); Likely benign (2). 1 of the submissions does not count toward it. Last evaluated 2025-07-09.

Conditions:
HEMOGLOBIN D (IRAN).

Allele frequency attached by ClinVar (database versions not stated): ExAC 0.00006; gnomAD exomes 0.00006; gnomAD below 0.00001.
gnomAD v4.1: 49 of 1,613,786 alleles (0.003%); highest among the groups gnomAD compares: South Asian, 0.054%; no homozygotes.

Submissions (5):

Quest Diagnostics Nichols Institute San Juan Capistrano
Classification: Likely benign. Last evaluated: 2025-07-09. Review status: criteria provided, single submitter. Criteria: Quest Diagnostics criteria. Collection method: clinical testing. Allele origin: unknown.

Women's Health and Genetics/Laboratory Corporation of America, LabCorp
Classification: Uncertain significance. Last evaluated: 2025-04-15. Review status: criteria provided, single submitter. Criteria: LabCorp Variant Classification Summary - May 2015. Collection method: clinical testing. Allele origin: germline.
Comment: Variant summary: HBB c.67G>C (p.Glu23Gln) results in a conservative amino acid change located in the globin domain (IPR000971) of the encoded protein sequence. Five of five in-silico tools predict a benign effect of the variant on protein function. The variant allele was found at a frequency of 6e-05 in 251278 control chromosomes, predominantly at a frequency of 0.00049 within the South Asian subpopulation in the gnomAD database. This frequency is not higher than estimated for a pathogenic variant in HBB causing Beta Thalassemia (6e-05 vs 0.011), allowing no conclusion about variant significance. Hb D-Iran was identified in compound heterozygosity with Hb A with an asymptomatic clinical course, normal hemoglobin concentration, normal red blood cell morphology, absence of inclusion bodies, and a normal level of methemoglobin (Rahbar_1973). Hb D-Iran in combination with HbS causes benign sickle syndrome with normal red cell indices, normal growth, and no evidence of hemolysis or organomegaly (Serjeant_1982). A compound heterozygote for Hb D-Iran and - thal presented with hypochromic microcytic anemia with target cells and basophilic stippling with these finding being no different from those of a - thal carriers alone (Rohe_1973, Agrawal_2007, Bhat_2012, Mohanty_2017). Thornburg_2001 concluded that homozygous Hb D-Iran is a relatively benign condition with mild microcytic anemia, poikilocytosis, and minimal hemolysis based on the hematologic values, hemoglobin electrophoresis, peripheral blood smear, and clinical course. Hb D-Iran has no reported abnormalities in heat stability, oxygen equilibrium, intracellular 2,3 DPG, Bohr effect, or heme-heme interaction (Rohe_1973). The following publications have been ascertained in the context of this evaluation (PMID: 35287566, 17655708, 19783722, 23543793, 27207683, 8195010, 25332633, 9342003, 29519374, 33279152, 4715135, 4725603, 20090224, 20838957, 31553106, 7073867, 11196276, 20309827). ClinVar contains an entry for this variant (Variation ID: 15151). Based on the evidence outlined above, the variant was classified as VUS-possibly benign.

ARUP Laboratories, Molecular Genetics and Genomics, ARUP Laboratories
Classification: Likely benign. Last evaluated: 2025-03-07. Review status: criteria provided, single submitter. Criteria: ARUP Molecular Germline Variant Investigation Process 2024. Collection method: clinical testing. Allele origin: germline.
Comment: The Hb D-Iran variant (HBB: c.67G>C; p.Glu23Gln, also known as Glu22Gln when numbered from the mature protein, HbVarID: 267, rs33959855) has been reported in individuals with no associated hematological symptoms (Rahbar 1973, HbVar database and references therein), and did not affect clinical symptoms when occurring in-trans with beta-0 thalassemia alleles (Rohe 1973, Agrawal 2007). Functional characterizations indicate that the variant hemoglobin exhibits normal oxygen affinity, Bohr effect and cooperative interactions (Rohe 1973). The variant is listed in ClinVar (Variation ID: 15151). This variant observed in the South Asian population with an allele frequency of 0.05% (15/30614 alleles) in the Genome Aggregation Database. The glutamic acid at codon 23 is highly conserved, but computational analyses are uncertain whether this variant is neutral or deleterious (REVEL: 0.54). Based on available information, this variant is considered to be likely benign. References: Link to HbVar database: Agrawal MG et al. Compound heterozygosity of Hb D(Iran) (beta(22) Glu-->Gln) and beta(0)-thalassemia (619 bp-deletion) in India. Eur J Haematol. 2007 Sep;79(3):248-50. PMID: 17655708. Rahbar S. Haemoglobin D Iran: 2 22 glutamic acid leads to glutamine (B4). Br J Haematol. 1973 Jan;24(1):31-5. PMID: 4715135. Rohe RA et al. Hemoglobin D Iran alpha A2 beta 22 2-Glu leads to Gln in association with thalassemia. Blood. 1973 Sep;42(3):455-62. PMID: 4725603.

GeneDx
Classification: Uncertain significance. Last evaluated: 2022-07-21. Review status: criteria provided, single submitter. Criteria: GeneDx Variant Classification Process June 2021. Collection method: clinical testing. Allele origin: germline. Affected: yes.
Comment: Reported in the homozygous and compound heterozygous state in patients with mild hemoglobinopathy (Thornburg et al., 2001; Bhat et al., 2012; Gupta et al., 2014); Also known as Hb D-Iran and p.E22Q; In silico analysis supports that this missense variant does not alter protein structure/function; This variant is associated with the following publications: (PMID: 20090224, 4715135, 8195010, 6434492, 7073867, 25023086, 20838957, 19783722, 4725603, 11196276, 17655708, 31553106, 20309827, 23543793, 25332633, 19429541)

OMIM
Classification: other for HEMOGLOBIN D (IRAN). Last evaluated: 2017-12-12. Review status: no assertion criteria provided. Collection method: literature only. Allele origin: germline. Not counted in ClinVar's aggregate classification.

Literature cited by the submitters: PubMed 7073867 (cited by 3 submitters); PubMed 17655708 (cited by Quest Diagnostics Nichols Institute San Juan Capistrano and Women's Health and Genetics/Laboratory Corporation of America, LabCorp); PubMed 19429541 (cited by Quest Diagnostics Nichols Institute San Juan Capistrano); PubMed 28698850 (cited by Quest Diagnostics Nichols Institute San Juan Capistrano); PubMed 8195010 (cited by Quest Diagnostics Nichols Institute San Juan Capistrano and Women's Health and Genetics/Laboratory Corporation of America, LabCorp); PubMed 31553106 (cited by Quest Diagnostics Nichols Institute San Juan Capistrano and Women's Health and Genetics/Laboratory Corporation of America, LabCorp); PubMed 29519374 (cited by Quest Diagnostics Nichols Institute San Juan Capistrano and Women's Health and Genetics/Laboratory Corporation of America, LabCorp); PubMed 4725603 (cited by Quest Diagnostics Nichols Institute San Juan Capistrano and Women's Health and Genetics/Laboratory Corporation of America, LabCorp); PubMed 33279152 (cited by Quest Diagnostics Nichols Institute San Juan Capistrano and Women's Health and Genetics/Laboratory Corporation of America, LabCorp); PubMed 35287566 (cited by Quest Diagnostics Nichols Institute San Juan Capistrano and Women's Health and Genetics/Laboratory Corporation of America, LabCorp); PubMed 25332633 (cited by Quest Diagnostics Nichols Institute San Juan Capistrano and Women's Health and Genetics/Laboratory Corporation of America, LabCorp); PubMed 4715135 (cited by Quest Diagnostics Nichols Institute San Juan Capistrano and Women's Health and Genetics/Laboratory Corporation of America, LabCorp); PubMed 11196276 (cited by Quest Diagnostics Nichols Institute San Juan Capistrano and Women's Health and Genetics/Laboratory Corporation of America, LabCorp); PubMed 19783722 (cited by Women's Health and Genetics/Laboratory Corporation of America, LabCorp); PubMed 20838957 (cited by Women's Health and Genetics/Laboratory Corporation of America, LabCorp); PubMed 20090224 (cited by Women's Health and Genetics/Laboratory Corporation of America, LabCorp); PubMed 9342003 (cited by Women's Health and Genetics/Laboratory Corporation of America, LabCorp); PubMed 20309827 (cited by Women's Health and Genetics/Laboratory Corporation of America, LabCorp); PubMed 23543793 (cited by Women's Health and Genetics/Laboratory Corporation of America, LabCorp); PubMed 27207683 (cited by Women's Health and Genetics/Laboratory Corporation of America, LabCorp); Rohe, R. A., Sharma, V. S., Ranney, H. M. Double heterozygosity for beta thalassemia and hemoglobin D Iran (beta 22 glu-to-gln). (Abstract) Meeting of the American Society of Hematology, Hollywood, Florida, December 1972. (cited by OMIM); PubMed 6434492 (cited by OMIM).

NM_000518.4(HBB):c.67G>C (p.Glu23Gln)

Genes: HBB (hemoglobin subunit beta; minus strand), LOC106099062 (HBB recombination region; plus strand), LOC107133510 (origin of replication at HBB; plus strand). Cytogenetic location: 11p15.4.
Variant type: single nucleotide variant.
Coding change: c.67G>C on transcript NM_000518.4; coding-DNA position 67, G replaced by C.
Protein change: p.Glu23Gln; replaces glutamic acid 23 with glutamine.
Molecular consequence: missense variant (on NM_000518.5).
Genome position (GRCh38, 1-based): chr11:5,226,955, C>G on the plus strand (G>C on the coding strand, the complement: HBB is on the minus strand). VCF-style: chr11-5226955-C-G. GRCh37 (hg19) VCF-style: chr11-5248185-C-G.
Other names: E22Q; c.67G>C, p.Glu23Gln (NM_000518.5); short protein forms E23Q.
Identifiers: ClinVar variation 15151 (VCV000015151.60), dbSNP rs33959855, ClinGen allele CA124822.